The following is an entry in ClinVar:

ClinVar aggregate classification (germline): Pathogenic. Review status: reviewed by expert panel (3 of 4 stars). 2 submissions from 2 submitters: Pathogenic (1). 1 of the submissions does not count toward it. Last evaluated 2016-10-18.

Conditions:
Breast-ovarian cancer, familial, susceptibility to, 2 (BROVCA2). Also called: BRCA2 Hereditary Breast and Ovarian Cancer. Identifiers: Orphanet 145, MedGen C2675520, MONDO:0012933, OMIM 612555. Disease mechanism: loss of function.

Submissions (2):

Evidence-based Network for the Interpretation of Germline Mutant Alleles (ENIGMA)
Classification: Pathogenic for Breast-ovarian cancer, familial, susceptibility to, 2. Last evaluated: 2016-10-18. Review status: reviewed by expert panel. Criteria: ENIGMA BRCA1/2 Classification Criteria (2015). Collection method: curation. Allele origin: germline.
Comment: Variant allele predicted to encode a truncated non-functional protein.

Consortium of Investigators of Modifiers of BRCA1/2 (CIMBA), c/o University of Cambridge
Classification: Pathogenic for Breast-ovarian cancer, familial, susceptibility to, 2. Last evaluated: 2015-10-02. Review status: criteria provided, single submitter. Criteria: CIMBA Mutation Classification guidelines May 2016. Collection method: clinical testing. Allele origin: germline. Not counted in ClinVar's aggregate classification.

NM_000059.4(BRCA2):c.884del (p.Val295fs)

Gene: BRCA2 (BRCA2 DNA repair associated; plus strand). Cytogenetic location: 13q13.1.
Variant type: Deletion.
Coding change: c.884del on transcript NM_000059.4 (MANE Select); coding-DNA position 884, one base deleted (T; older notation c.884delT).
Protein change: p.Val295fs; shifts the reading frame from valine 295.
Molecular consequence: frameshift variant.
Genome position (GRCh38, 1-based): chr13:32,332,362, T deleted. VCF-style (leftmost placement, unchanged base first): chr13-32332361-GT-G. GRCh37 (hg19) VCF-style: chr13-32906498-GT-G.
Other names: 1112delT; short protein forms V295fs.
Identifiers: ClinVar variation 267110 (VCV000267110.5), dbSNP rs886040795, ClinGen allele CA10589057.